The following is an entry in ClinVar:

ClinVar aggregate classification (germline): Uncertain significance (1 of 4 stars; one submission).

Conditions:
RAI1-related disorder. Also called: RAI1-related condition.

gnomAD v4.1: 1 of 1,611,278 alleles (0.000062%); highest among the groups gnomAD compares: Non-Finnish European, 0.000085%; no homozygotes.

Submission:

PreventionGenetics, part of Exact Sciences
Classification: Uncertain significance for RAI1-related condition. Last evaluated: 2026-02-17. Review status: criteria provided, single submitter. Criteria: ACMG Guidelines, 2015. Collection method: clinical testing. Allele origin: germline.
Comment: The RAI1 c.3554C>T variant is predicted to result in the amino acid substitution p.Ala1185Val. To our knowledge, this variant has not been reported in the literature or in a large population database (gnomAD), indicating this variant is rare. At this time, the clinical significance of this variant is uncertain due to the absence of conclusive functional and genetic evidence.

NM_030665.4(RAI1):c.3554C>T (p.Ala1185Val)

Gene: RAI1 (retinoic acid induced 1; plus strand). Cytogenetic location: 17p11.2.
Variant type: single nucleotide variant.
Coding change: c.3554C>T on transcript NM_030665.4 (MANE Select); coding-DNA position 3554, C replaced by T.
Protein change: p.Ala1185Val; replaces alanine 1185 with valine.
Molecular consequence: missense variant.
Genome position (GRCh38, 1-based): chr17:17,796,502, C>T. VCF-style: chr17-17796502-C-T. GRCh37 (hg19) VCF-style: chr17-17699816-C-T.
Other names: short protein forms A1185V.
Identifiers: ClinVar variation 4977691 (VCV004977691.1).